The following is an entry in ClinVar:

NM_003922.4(HERC1):c.5948G>A (p.Arg1983His)

Gene: HERC1 (HECT and RLD domain containing E3 ubiquitin protein ligase family member 1; minus strand). Cytogenetic location: 15q22.31.
Variant type: single nucleotide variant.
Coding change: c.5948G>A on transcript NM_003922.4 (MANE Select); coding-DNA position 5948, G replaced by A.
Protein change: p.Arg1983His; replaces arginine 1983 with histidine.
Molecular consequence: missense variant.
Genome position (GRCh38, 1-based): chr15:63,689,689, C>T on the plus strand (G>A on the coding strand, the complement: HERC1 is on the minus strand). VCF-style: chr15-63689689-C-T. GRCh37 (hg19) VCF-style: chr15-63981888-C-T.
Other names: c.5948G>A (NM_003922.3); short protein forms R1983H.
Identifiers: ClinVar variation 1460885 (VCV001460885.7), dbSNP rs372604267, ClinGen allele CA7605427.
Genomic context (GRCh38, chr15:63,689,689, plus strand): 5'-GCATGTTTGGCCTGAGCAATGGGTGTCTCCCACATACAATCAGAGAGAAGGGAAAATAAG[C>T]GCTCAACAATCTGTTTTATTGAAGAAAAAAGGATAAAATTTGTAAAAAGTAACTTTAAGT-3'
Protein context (NP_003913.3, residues 1973-1993): EDDQMAQIVE[Arg1983His]LFSLLSDCMW

ClinVar aggregate classification (germline): Uncertain significance. Review status: criteria provided, multiple submitters, no conflicts (2 of 4 stars). 2 submissions from 2 submitters: Uncertain significance (2). Last evaluated 2025-10-22.

Conditions:
Inborn genetic diseases. Identifiers: MedGen C0950123, MeSH D030342.

Allele frequency attached by ClinVar (database versions not stated): TOPMed below 0.00001; gnomAD exomes 0.00001; ESP Exome Variant Server 0.00009.
gnomAD v4.1: 18 of 1,563,970 alleles (0.0012%); highest among the groups gnomAD compares: Non-Finnish European, 0.0016%; no homozygotes.

Submissions (2):

Labcorp Genetics (formerly Invitae), Labcorp
Classification: Uncertain significance. Last evaluated: 2025-10-22. Review status: criteria provided, single submitter. Criteria: Invitae Variant Classification Sherloc (09022015). Collection method: clinical testing. Allele origin: germline.
Comment: This sequence change replaces arginine, which is basic and polar, with histidine, which is basic and polar, at codon 1983 of the HERC1 protein (p.Arg1983His). The frequency data for this variant in the population databases is considered unreliable, as metrics indicate poor data quality at this position in the gnomAD database. This variant has not been reported in the literature in individuals affected with HERC1-related conditions. ClinVar contains an entry for this variant (Variation ID: 1460885). Invitae Evidence Modeling of protein sequence and biophysical properties (such as structural, functional, and spatial information, amino acid conservation, physicochemical variation, residue mobility, and thermodynamic stability) indicates that this missense variant is not expected to disrupt HERC1 protein function with a negative predictive value of 80%. In summary, the available evidence is currently insufficient to determine the role of this variant in disease. Therefore, it has been classified as a Variant of Uncertain Significance.

Ambry Genetics
Classification: Uncertain significance for Inborn genetic diseases. Last evaluated: 2025-04-11. Review status: criteria provided, single submitter. Criteria: Ambry Variant Classification Scheme 2023. Collection method: clinical testing. Allele origin: germline.